The following is an entry in ClinVar:

NM_139058.3(ARX):c.450C>A (p.Ala150=)

Genes: ARX (aristaless related homeobox; minus strand), LOC109610631 (aristaless related homeobox polyalanine expansion region; plus strand). Cytogenetic location: Xp21.3.
Variant type: single nucleotide variant.
Coding change: c.450C>A on transcript NM_139058.3 (MANE Select); coding-DNA position 450, C replaced by A.
Protein change: p.Ala150=; no amino-acid change (alanine 150 retained).
Molecular consequence: synonymous variant.
Genome position (GRCh38, 1-based): chrX:25,013,545, G>T on the plus strand (C>A on the coding strand, the complement: ARX is on the minus strand). VCF-style: chrX-25013545-G-T. GRCh37 (hg19) VCF-style: chrX-25031662-G-T.
Identifiers: ClinVar variation 473010 (VCV000473010.17), dbSNP rs1410039382, ClinGen allele CA515947684.

ClinVar aggregate classification (germline): Likely benign. Review status: criteria provided, multiple submitters, no conflicts (2 of 4 stars). 2 submissions from 2 submitters: Likely benign (2). Last evaluated 2025-10-01.

Conditions:
Developmental and epileptic encephalopathy, 1 (DEE1). Also called: X-linked infantile spasms; West's syndrome; Tonic spasms with clustering, arrest of psychomotor development and hypsarrhythmia on EEG; X-Linked Infantile Spasm Syndrome; OHTAHARA SYNDROME, X-LINKED; Epileptic encephalopathy, early infantile, 1. Identifiers: MedGen C3463992, MONDO:0010632, OMIM 308350. Disease mechanism: loss of function.
Intellectual disability, X-linked, with or without seizures, ARX-related. Also called: INTELLECTUAL DEVELOPMENTAL DISORDER, X-LINKED 29; MENTAL RETARDATION, X-LINKED 29; MENTAL RETARDATION, X-LINKED 32; MENTAL RETARDATION, X-LINKED 33; MENTAL RETARDATION, X-LINKED 38; MENTAL RETARDATION, X-LINKED 43. Identifiers: Orphanet 777, MedGen C0796244, MONDO:0010317, OMIM 300419.

Allele frequency attached by ClinVar (database versions not stated): gnomAD exomes 0.00001; TOPMed 0.00001; gnomAD 0.00002.

Submissions (2):

CeGaT Center for Human Genetics Tuebingen
Classification: Likely benign. Last evaluated: 2025-10-01. Review status: criteria provided, single submitter. Criteria: CeGaT Center For Human Genetics Tuebingen Variant Classification Criteria Version 2. Collection method: clinical testing. Allele origin: germline. Affected: yes. Observed: 1 variant allele.
Comment: ARX: BP4, BP7

Labcorp Genetics (formerly Invitae), Labcorp
Classification: Likely benign for Developmental and epileptic encephalopathy, 1; Intellectual disability, X-linked, with or without seizures, ARX-related. Last evaluated: 2023-12-29. Review status: criteria provided, single submitter. Criteria: Invitae Variant Classification Sherloc (09022015). Collection method: clinical testing. Allele origin: germline.